The following is an entry in ClinVar:

NM_014363.6(SACS):c.7246A>G (p.Ile2416Val)

Gene: SACS (sacsin molecular chaperone; minus strand). Cytogenetic location: 13q12.12.
Variant type: single nucleotide variant.
Coding change: c.7246A>G on transcript NM_014363.6 (MANE Select); coding-DNA position 7246, A replaced by G.
Protein change: p.Ile2416Val; replaces isoleucine 2416 with valine.
Molecular consequence: missense variant.
Genome position (GRCh38, 1-based): chr13:23,336,630, T>C on the plus strand (A>G on the coding strand, the complement: SACS is on the minus strand). VCF-style: chr13-23336630-T-C. GRCh37 (hg19) VCF-style: chr13-23910769-T-C.
Other names: c.6805A>G, p.Ile2269Val (NM_001278055.2); short protein forms I2269V, I2416V.
Identifiers: ClinVar variation 1380091 (VCV001380091.5), dbSNP rs774907744, ClinGen allele CA246657095.
Genomic context (GRCh38, chr13:23,336,630, plus strand): 5'-TGAGACTCCATATTCCTTCACTGATTATTCGTCGGCAAAGCTGAAAATTCTCTTCTGTTA[T>C]TTGCTTTGTTCCTCTTTCTTGATCAATAGATTCCAAAACAAGAGCAAAATCTTCAACAGT-3'
Protein context (NP_055178.3, residues 2406-2426): SIDQERGTKQ[Ile2416Val]TEENFQLCRR

ClinVar aggregate classification (germline): Uncertain significance (1 of 4 stars; one submission).

Conditions:
Spastic paraplegia. Identifiers: MedGen C0037772, HP:0001258.

Allele frequency attached by ClinVar (database versions not stated): TOPMed below 0.00001; gnomAD 0.00001; gnomAD exomes 0.00002.
gnomAD v4.1: 24 of 1,613,732 alleles (0.0015%); highest among the groups gnomAD compares: Non-Finnish European, 0.0019%; no homozygotes.

Submission:

Labcorp Genetics (formerly Invitae), Labcorp
Classification: Uncertain significance for Spastic paraplegia. Last evaluated: 2021-08-28. Review status: criteria provided, single submitter. Criteria: Invitae Variant Classification Sherloc (09022015). Collection method: clinical testing. Allele origin: germline.
Comment: This sequence change replaces isoleucine with valine at codon 2416 of the SACS protein (p.Ile2416Val). The isoleucine residue is moderately conserved and there is a small physicochemical difference between isoleucine and valine. This variant is not present in population databases (ExAC no frequency). This variant has not been reported in the literature in individuals affected with SACS-related conditions. Algorithms developed to predict the effect of missense changes on protein structure and function output the following: SIFT: "Tolerated"; PolyPhen-2: "Benign"; Align-GVGD: "Class C0". The valine amino acid residue is found in multiple mammalian species, which suggests that this missense change does not adversely affect protein function. Algorithms developed to predict the effect of sequence changes on RNA splicing suggest that this variant may create or strengthen a splice site. In summary, the available evidence is currently insufficient to determine the role of this variant in disease. Therefore, it has been classified as a Variant of Uncertain Significance.